The following is an entry in ClinVar:

ClinVar aggregate classification (germline): Uncertain significance. Review status: criteria provided, multiple submitters, no conflicts (2 of 4 stars). 2 submissions from 2 submitters: Uncertain significance (2). Last evaluated 2024-05-02.

Conditions:
Mevalonic aciduria (MEVA). Identifiers: Orphanet 29, MedGen C1959626, MONDO:0012481, OMIM 610377.
Porokeratosis 3, disseminated superficial actinic type (POROK3). Also called: POROKERATOSIS, DISSEMINATED SUPERFICIAL ACTINIC, 1; POROKERATOSIS 3, MULTIPLE TYPES; POROKERATOSIS 3, MIBELLI TYPE. Identifiers: MedGen C1867981, MONDO:0008293, OMIM 175900.
Hyperimmunoglobulin D with periodic fever (HIDS). Also called: HYPERIMMUNOGLOBULINEMIA D AND PERIODIC FEVER SYNDROME; Hyperimmunoglobulinemia D; Hyperimmunoglobulinemia D with periodic fever. Identifiers: Orphanet 343, MedGen C0398691, MONDO:0009849, OMIM 260920.

Allele frequency attached by ClinVar (database versions not stated): gnomAD exomes below 0.00001; gnomAD 0.00001.

Submissions (2):

Labcorp Genetics (formerly Invitae), Labcorp
Classification: Uncertain significance for Mevalonic aciduria; Hyperimmunoglobulin D with periodic fever; Porokeratosis 3, disseminated superficial actinic type. Last evaluated: 2024-05-02. Review status: criteria provided, single submitter. Criteria: Invitae Variant Classification Sherloc (09022015). Collection method: clinical testing. Allele origin: germline.
Comment: This sequence change replaces proline, which is neutral and non-polar, with leucine, which is neutral and non-polar, at codon 11 of the MVK protein (p.Pro11Leu). This variant is present in population databases (no rsID available, gnomAD 0.01%). This variant has not been reported in the literature in individuals affected with MVK-related conditions. ClinVar contains an entry for this variant (Variation ID: 234377). Advanced modeling of protein sequence and biophysical properties (such as structural, functional, and spatial information, amino acid conservation, physicochemical variation, residue mobility, and thermodynamic stability) performed at Invitae indicates that this missense variant is expected to disrupt MVK protein function with a positive predictive value of 80%. In summary, the available evidence is currently insufficient to determine the role of this variant in disease. Therefore, it has been classified as a Variant of Uncertain Significance.

GeneDx
Classification: Uncertain significance. Last evaluated: 2016-03-30. Review status: criteria provided, single submitter. Criteria: GeneDx Variant Classification (06012015). Collection method: clinical testing. Allele origin: germline. Affected: yes.
Comment: The P11L variant has not been published as a mutation, nor has it been reported as a benign polymorphism to our knowledge. It was not observed in approximately 6,500 individuals of European and African American ancestry in the NHLBI Exome Sequencing Project, indicating it is not a common benign variant in these populations. The variant is a semi-conservative amino acid substitution, which may impact secondary protein structure as these residues differ in some properties. This substitution occurs at a position within the ribosomal protein S5 domain 2-type fold that is conserved across species. This variant is not predicted to affect splicing and in-silico analysis predicts this variant is probably damaging to the protein structure/function. Missense mutations in nearby residues (A10V and G12R) have been reported in the Human Gene Mutation Database in association with hyperimmunoglobulin D and periodic fevers (Stenson et al., 2014), supporting the functional importance of this region of the protein. Therefore, based on the currently available information, it is unclear whether this variant is a pathogenic mutation or a rare benign variant.

NM_000431.4(MVK):c.32C>T (p.Pro11Leu)

Gene: MVK (mevalonate kinase; plus strand). Cytogenetic location: 12q24.11.
Variant type: single nucleotide variant.
Coding change: c.32C>T on transcript NM_000431.4 (MANE Select); coding-DNA position 32, C replaced by T.
Protein change: p.Pro11Leu; replaces proline 11 with leucine.
Molecular consequence: missense variant.
Genome position (GRCh38, 1-based): chr12:109,574,854, C>T. VCF-style: chr12-109574854-C-T. GRCh37 (hg19) VCF-style: chr12-110012659-C-T.
Other names: c.32C>T (LRG_156t1); c.32C>T, p.Pro11Leu (NM_001114185.3, NM_001301182.2); short protein forms P11L.
Identifiers: ClinVar variation 234377 (VCV000234377.5), dbSNP rs876661001, ClinGen allele CA10577432.